The following is an entry in ClinVar:

NM_005263.5(GFI1):c.203C>T (p.Ala68Val)

Gene: GFI1 (growth factor independent 1 transcriptional repressor; minus strand). Cytogenetic location: 1p22.1.
Variant type: single nucleotide variant.
Coding change: c.203C>T on transcript NM_005263.5 (MANE Select); coding-DNA position 203, C replaced by T.
Protein change: p.Ala68Val; replaces alanine 68 with valine.
Molecular consequence: missense variant.
Genome position (GRCh38, 1-based): chr1:92,482,959, G>A on the plus strand (C>T on the coding strand, the complement: GFI1 is on the minus strand). VCF-style: chr1-92482959-G-A. GRCh37 (hg19) VCF-style: chr1-92948516-G-A.
Other names: c.203C>T, p.Ala68Val (NM_001127215.3, NM_001127216.3); short protein forms A68V.
Identifiers: ClinVar variation 3281231 (VCV003281231.2).

ClinVar aggregate classification (germline): Uncertain significance (1 of 4 stars; one submission).

gnomAD v4.1: 2 of 1,613,506 alleles (0.00012%); highest among the groups gnomAD compares: East Asian, 0.0022%; no homozygotes.

Submission:

Ambry Genetics
Classification: Uncertain significance. Last evaluated: 2025-02-03. Review status: criteria provided, single submitter. Criteria: Ambry Variant Classification Scheme 2023. Collection method: clinical testing. Allele origin: germline.
Comment: The p.A68V variant (also known as c.203C>T), located in coding exon 2 of the GFI1 gene, results from a C to T substitution at nucleotide position 203. The alanine at codon 68 is replaced by valine, an amino acid with similar properties. This amino acid position is conserved. In addition, this alteration is predicted to be tolerated by in silico analysis. Based on the available evidence, the clinical significance of this variant remains unclear.